The following is an entry in ClinVar:

NM_001267727.2(ARSG):c.1267del (p.Val423fs)

Gene: ARSG (arylsulfatase G; plus strand). Cytogenetic location: 17q24.2.
Variant type: Deletion.
Coding change: c.1267del on transcript NM_001267727.2 (MANE Select); coding-DNA position 1267, one base deleted (G; older notation c.1267delG).
Protein change: p.Val423fs; shifts the reading frame from valine 423.
Molecular consequence: frameshift variant.
Genome position (GRCh38, 1-based): chr17:68,401,414, G deleted. VCF-style (leftmost placement, unchanged base first): chr17-68401413-TG-T. GRCh37 (hg19) VCF-style: chr17-66397554-TG-T.
Other names: c.1267del, p.Val423fs (NM_001352899.2, NM_001352900.2, NM_001352901.2 and 3 more transcripts); c.1264del, p.Val422fs (NM_001352903.2, NM_001352904.2, NM_001352905.2 and 2 more transcripts); c.1219del, p.Val407fs (NM_001352909.2); short protein forms V407fs, V422fs, V423fs.
Identifiers: ClinVar variation 1443992 (VCV001443992.6), dbSNP rs1467957839, ClinGen allele CA627183638.
Genomic context (GRCh38, chr17:68,401,413, plus strand): 5'-TTCTCAGGTGCTGTTCCACCCCAACAGCGGGGCAGCTGGAGAGTTTGGAGCCCTGCAGAC[TG>T]TCCGCCTGGAGCGTTACAAGGCCTTCTACATTACCGGTGAGTGAGGGGCCACTTAGCCCT-3'

ClinVar aggregate classification (germline): Pathogenic (1 of 4 stars; one submission).

Allele frequency attached by ClinVar (database versions not stated): gnomAD exomes below 0.00001.

Submission:

Labcorp Genetics (formerly Invitae), Labcorp
Classification: Pathogenic. Last evaluated: 2024-04-17. Review status: criteria provided, single submitter. Criteria: Invitae Variant Classification Sherloc (09022015). Collection method: clinical testing. Allele origin: germline.
Comment: This sequence change creates a premature translational stop signal (p.Val423Serfs*32) in the ARSG gene. While this is not anticipated to result in nonsense mediated decay, it is expected to disrupt the last 103 amino acid(s) of the ARSG protein. This variant is present in population databases (no rsID available, gnomAD 0.007%). This premature translational stop signal has been observed in individual(s) with Usher Syndrome (Invitae). ClinVar contains an entry for this variant (Variation ID: 1443992). This variant disrupts a region of the ARSG protein in which other variant(s) (p.Arg424Cys) have been observed in individuals with ARSG-related conditions (PMID: 33629623). This suggests that this is a clinically significant region of the protein, and that variants that disrupt it are likely to be disease-causing. For these reasons, this variant has been classified as Pathogenic.

Literature cited by the submitters: PubMed 33629623.